The following is an entry in ClinVar:

ClinVar aggregate classification (germline): Uncertain significance. Review status: criteria provided, multiple submitters, no conflicts (2 of 4 stars). 3 submissions from 3 submitters: Uncertain significance (3). Last evaluated 2025-10-07.

Conditions:
Colorectal cancer, susceptibility to, 12 (CRCS12). Also called: COLORECTAL CANCER, SUSCEPTIBILITY TO, ON CHROMOSOME 12q24. Identifiers: Orphanet 220460, MedGen C3554460, MONDO:0014038, OMIM 615083.
Hereditary cancer-predisposing syndrome. Also called: Neoplastic Syndromes, Hereditary; Hereditary Cancer Syndrome; Hereditary neoplastic syndrome; Tumor predisposition. Identifiers: Orphanet 140162, MedGen C0027672, MeSH D009386, MONDO:0015356.

Allele frequency attached by ClinVar (database versions not stated): gnomAD 0.00001; TOPMed 0.00001; gnomAD exomes 0.00002.
gnomAD v4.1: 33 of 1,593,872 alleles (0.0021%); highest among the groups gnomAD compares: Non-Finnish European, 0.0028%; no homozygotes.

Submissions (3):

Labcorp Genetics (formerly Invitae), Labcorp
Classification: Uncertain significance. Last evaluated: 2025-10-07. Review status: criteria provided, single submitter. Criteria: Invitae Variant Classification Sherloc (09022015). Collection method: clinical testing. Allele origin: germline.
Comment: This sequence change replaces serine, which is neutral and polar, with glycine, which is neutral and non-polar, at codon 1520 of the POLE protein (p.Ser1520Gly). This variant is not present in population databases (gnomAD no frequency). This variant has not been reported in the literature in individuals affected with POLE-related conditions. ClinVar contains an entry for this variant (Variation ID: 540642). Invitae Evidence Modeling of protein sequence and biophysical properties (such as structural, functional, and spatial information, amino acid conservation, physicochemical variation, residue mobility, and thermodynamic stability) indicates that this missense variant is not expected to disrupt POLE protein function with a negative predictive value of 80%. In summary, the available evidence is currently insufficient to determine the role of this variant in disease. Therefore, it has been classified as a Variant of Uncertain Significance.

Ambry Genetics
Classification: Uncertain significance for Hereditary cancer-predisposing syndrome. Last evaluated: 2023-12-24. Review status: criteria provided, single submitter. Criteria: Ambry Variant Classification Scheme 2023. Collection method: clinical testing. Allele origin: germline.
Comment: The p.S1520G variant (also known as c.4558A>G), located in coding exon 36 of the POLE gene, results from an A to G substitution at nucleotide position 4558. The serine at codon 1520 is replaced by glycine, an amino acid with similar properties. This amino acid position is conserved. In addition, this alteration is predicted to be tolerated by in silico analysis. Since supporting evidence is limited at this time, the clinical significance of this alteration remains unclear.

Baylor Genetics
Classification: Uncertain significance for Colorectal cancer, susceptibility to, 12. Last evaluated: 2020-06-25. Review status: criteria provided, single submitter. Criteria: ACMG Guidelines, 2015. Collection method: clinical testing. Allele origin: unknown. Affected: yes. Study: CSER-TexasKidsCanSeq.
Comment: This variant was determined to be of uncertain significance according to ACMG Guidelines, 2015 [PMID:25741868].

NM_006231.4(POLE):c.4558A>G (p.Ser1520Gly)

Gene: POLE (DNA polymerase epsilon, catalytic subunit; minus strand). Cytogenetic location: 12q24.33.
Variant type: single nucleotide variant.
Coding change: c.4558A>G on transcript NM_006231.4 (MANE Select); coding-DNA position 4558, A replaced by G.
Protein change: p.Ser1520Gly; replaces serine 1520 with glycine.
Molecular consequence: missense variant.
Genome position (GRCh38, 1-based): chr12:132,642,990, T>C on the plus strand (A>G on the coding strand, the complement: POLE is on the minus strand). VCF-style: chr12-132642990-T-C. GRCh37 (hg19) VCF-style: chr12-133219576-T-C.
Other names: short protein forms S1520G.
Identifiers: ClinVar variation 540642 (VCV000540642.16), dbSNP rs1021500357, ClinGen allele CA246304192.